The following is an entry in ClinVar:

NM_001040108.2(MLH3):c.1850A>T (p.Lys617Ile)

Gene: MLH3 (mutL homolog 3; minus strand). Cytogenetic location: 14q24.3.
Variant type: single nucleotide variant.
Coding change: c.1850A>T on transcript NM_001040108.2 (MANE Select); coding-DNA position 1850, A replaced by T.
Protein change: p.Lys617Ile; replaces lysine 617 with isoleucine.
Molecular consequence: missense variant.
Genome position (GRCh38, 1-based): chr14:75,047,806, T>A on the plus strand (A>T on the coding strand, the complement: MLH3 is on the minus strand). VCF-style: chr14-75047806-T-A. GRCh37 (hg19) VCF-style: chr14-75514509-T-A.
Other names: c.1850A>T, p.Lys617Ile (NM_014381.3); short protein forms K617I.
Identifiers: ClinVar variation 1781312 (VCV001781312.2), dbSNP rs2503285006, ClinGen allele CA390444023.

ClinVar aggregate classification (germline): Uncertain significance (1 of 4 stars; one submission).

Allele frequency attached by ClinVar (database versions not stated): gnomAD exomes below 0.00001.

Submission:

Ambry Genetics
Classification: Uncertain significance. Last evaluated: 2024-03-17. Review status: criteria provided, single submitter. Criteria: Ambry Variant Classification Scheme 2023. Collection method: clinical testing. Allele origin: germline.
Comment: The p.K617I variant (also known as c.1850A>T), located in coding exon 1 of the MLH3 gene, results from an A to T substitution at nucleotide position 1850. The lysine at codon 617 is replaced by isoleucine, an amino acid with dissimilar properties. This amino acid position is conserved. In addition, this alteration is predicted to be tolerated by in silico analysis. Since supporting evidence is limited at this time, the clinical significance of this alteration remains unclear.